The following is an entry in ClinVar:

ClinVar aggregate classification (germline): Likely benign. Review status: criteria provided, multiple submitters, no conflicts (2 of 4 stars). 2 submissions from 2 submitters: Likely benign (2). Last evaluated 2026-03-03.

Conditions:
DNMT1-related disorder. Also called: DNMT1-related condition. Identifiers: MedGen CN381527.
Hereditary sensory neuropathy-deafness-dementia syndrome. Also called: Hereditary sensory neuropathy type IE; HSN IE; NEUROPATHY, HEREDITARY SENSORY, WITH HEARING LOSS AND DEMENTIA; Hereditary Sensory and Autonomic Neuropathy Type 1E (HSAN1E). Identifiers: Orphanet 456318, MedGen C3279885, MONDO:0013584, OMIM 614116.

Allele frequency attached by ClinVar (database versions not stated): gnomAD 0.00001; gnomAD exomes 0.00001 and 0.00002; TOPMed 0.00001; ExAC 0.00002.
gnomAD v4.1: 16 of 1,613,578 alleles (0.00099%); highest among the groups gnomAD compares: African/African-American, 0.0013%; no homozygotes.

Submissions (2):

PreventionGenetics, part of Exact Sciences
Classification: Likely benign for DNMT1-related condition. Last evaluated: 2026-03-03. Review status: criteria provided, single submitter. Criteria: ACMG Guidelines, 2015. Collection method: clinical testing. Allele origin: germline.
Comment: This variant is classified as likely benign based on ACMG/AMP sequence variant interpretation guidelines (Richards et al. 2015 PMID: 25741868, with internal and published modifications).

Labcorp Genetics (formerly Invitae), Labcorp
Classification: Likely benign for Hereditary sensory neuropathy-deafness-dementia syndrome. Last evaluated: 2024-12-07. Review status: criteria provided, single submitter. Criteria: Invitae Variant Classification Sherloc (09022015). Collection method: clinical testing. Allele origin: germline.

NM_001130823.3(DNMT1):c.222C>T (p.Ser74=)

Gene: DNMT1 (DNA methyltransferase 1; minus strand). Cytogenetic location: 19p13.2.
Variant type: single nucleotide variant.
Coding change: c.222C>T on transcript NM_001130823.3 (MANE Select); coding-DNA position 222, C replaced by T.
Protein change: p.Ser74=; no amino-acid change (serine 74 retained).
Molecular consequence: synonymous variant. On other transcripts: 5 prime UTR variant (1).
Genome position (GRCh38, 1-based): chr19:10,180,781, G>A on the plus strand (C>T on the coding strand, the complement: DNMT1 is on the minus strand). VCF-style: chr19-10180781-G-A. GRCh37 (hg19) VCF-style: chr19-10291457-G-A.
Other names: c.222C>T, p.Ser74= (NM_001318730.2, NM_001379.4); c.-102C>T (NM_001318731.2); c.222C>T (NM_001130823.2).
Identifiers: ClinVar variation 1144402 (VCV001144402.10), dbSNP rs760911134, ClinGen allele CA9188819.